The following is an entry in ClinVar:

NM_144670.6(A2ML1):c.2525C>T (p.Thr842Ile)

Gene: A2ML1 (alpha-2-macroglobulin like 1; plus strand). Cytogenetic location: 12p13.31.
Variant type: single nucleotide variant.
Coding change: c.2525C>T on transcript NM_144670.6 (MANE Select); coding-DNA position 2525, C replaced by T.
Protein change: p.Thr842Ile; replaces threonine 842 with isoleucine.
Molecular consequence: missense variant.
Genome position (GRCh38, 1-based): chr12:8,852,271, C>T. VCF-style: chr12-8852271-C-T. GRCh37 (hg19) VCF-style: chr12-9004867-C-T.
Other names: c.1052C>T, p.Thr351Ile (NM_001282424.3); short protein forms T842I, T351I.
Identifiers: ClinVar variation 3716433 (VCV003716433.2).

ClinVar aggregate classification (germline): Uncertain significance (1 of 4 stars; one submission).

gnomAD v4.1: 18 of 1,614,016 alleles (0.0011%); highest among the groups gnomAD compares: African/African-American, 0.0027%; no homozygotes.

Submission:

Labcorp Genetics (formerly Invitae), Labcorp
Classification: Uncertain significance. Last evaluated: 2024-08-28. Review status: criteria provided, single submitter. Criteria: Invitae Variant Classification Sherloc (09022015). Collection method: clinical testing. Allele origin: germline.
Comment: This sequence change replaces threonine, which is neutral and polar, with isoleucine, which is neutral and non-polar, at codon 842 of the A2ML1 protein (p.Thr842Ile). This variant is present in population databases (rs775695540, gnomAD 0.004%). This variant has not been reported in the literature in individuals affected with A2ML1-related conditions. An algorithm developed to predict the effect of missense changes on protein structure and function outputs the following: PolyPhen-2: "Benign". The isoleucine amino acid residue is found in multiple mammalian species, which suggests that this missense change does not adversely affect protein function. In summary, the available evidence is currently insufficient to determine the role of this variant in disease. Therefore, it has been classified as a Variant of Uncertain Significance.